The following is an entry in ClinVar:

ClinVar aggregate classification (germline): Uncertain significance (1 of 4 stars; one submission).

Submission:

Labcorp Genetics (formerly Invitae), Labcorp
Classification: Uncertain significance. Last evaluated: 2021-09-06. Review status: criteria provided, single submitter. Criteria: Invitae Variant Classification Sherloc (09022015). Collection method: clinical testing. Allele origin: germline.
Comment: In summary, the available evidence is currently insufficient to determine the role of this variant in disease. Therefore, it has been classified as a Variant of Uncertain Significance. Experimental studies and prediction algorithms are not available or were not evaluated, and the functional significance of this variant is currently unknown. This variant has not been reported in the literature in individuals affected with FBN3-related conditions. This variant is not present in population databases (ExAC no frequency). This sequence change creates a premature translational stop signal (p.Pro1989Leufs*97) in the FBN3 gene. It is expected to result in an absent or disrupted protein product. However, the current clinical and genetic evidence is not sufficient to establish whether loss-of-function variants in FBN3 cause disease.

NM_032447.5(FBN3):c.5966del (p.Pro1989fs)

Gene: FBN3 (fibrillin 3; minus strand). Cytogenetic location: 19p13.2.
Variant type: Deletion.
Coding change: c.5966del on transcript NM_032447.5 (MANE Select); coding-DNA position 5966, one base deleted (C; older notation c.5966delC).
Protein change: p.Pro1989fs; shifts the reading frame from proline 1989.
Molecular consequence: frameshift variant.
Genome position (GRCh38, 1-based): chr19:8,091,530, G deleted on the plus strand (C on the coding strand, the reverse complement: FBN3 is on the minus strand); the first of 3 consecutive G bases (chr19:8,091,530-8,091,532); deleting any one gives the same sequence. VCF-style (leftmost placement, unchanged base first): chr19-8091529-AG-A. GRCh37 (hg19) VCF-style: chr19-8156413-AG-A.
Other names: c.5966del, p.Pro1989fs (NM_001321431.2); short protein forms P1989fs.
Identifiers: ClinVar variation 1480284 (VCV001480284.6), dbSNP rs2144698708, ClinGen allele CA2573155943.